The following is an entry in ClinVar:

ClinVar aggregate classification (germline): Uncertain significance (1 of 4 stars; one submission).

Conditions:
Cardiovascular phenotype. Identifiers: MedGen CN230736.

Allele frequency attached by ClinVar (database versions not stated): gnomAD 0.00001; ExAC 0.00002.

Submission:

Ambry Genetics
Classification: Uncertain significance for Cardiovascular phenotype. Last evaluated: 2023-02-26. Review status: criteria provided, single submitter. Criteria: Ambry Variant Classification Scheme 2023. Collection method: clinical testing. Allele origin: germline.
Comment: The p.T232P variant (also known as c.694A>C) is located in coding exon 7 of the APOB gene. The threonine at codon 232 is replaced by proline, an amino acid with highly similar properties. This change occurs in the first base pair of coding exon 7. This amino acid position is conserved. In addition, this alteration is predicted to be tolerated by in silico analysis. Since supporting evidence is limited at this time, the clinical significance of this alteration remains unclear.

NM_000384.3(APOB):c.694A>C (p.Thr232Pro)

Gene: APOB (apolipoprotein B; minus strand). Cytogenetic location: 2p24.1.
Variant type: single nucleotide variant.
Coding change: c.694A>C on transcript NM_000384.3 (MANE Select); coding-DNA position 694, A replaced by C.
Protein change: p.Thr232Pro; replaces threonine 232 with proline.
Molecular consequence: missense variant.
Genome position (GRCh38, 1-based): chr2:21,035,708, T>G on the plus strand (A>C on the coding strand, the complement: APOB is on the minus strand). VCF-style: chr2-21035708-T-G. GRCh37 (hg19) VCF-style: chr2-21258580-T-G.
Other names: short protein forms T232P.
Identifiers: ClinVar variation 2451337 (VCV002451337.2), dbSNP rs777641612, ClinGen allele CA063877.